The following is an entry in ClinVar:

ClinVar aggregate classification (germline): Benign (0 of 4 stars; one submission).

Conditions:
STK36-related disorder. Also called: STK36-related condition.

Allele frequency attached by ClinVar (database versions not stated): 1000 Genomes Project 0.00439; 1000 Genomes Project 30x 0.00453; TOPMed 0.00975; gnomAD 0.01015; ExAC 0.01027; ESP Exome Variant Server 0.01084.

Submission:

PreventionGenetics, part of Exact Sciences
Classification: Benign for STK36-related condition. Last evaluated: 2019-02-19. Review status: no assertion criteria provided. Collection method: clinical testing. Allele origin: germline.
Comment: This variant is classified as benign based on ACMG/AMP sequence variant interpretation guidelines (Richards et al. 2015 PMID: 25741868, with internal and published modifications).

NM_015690.5(STK36):c.1384C>G (p.Leu462Val)

Gene: STK36 (serine/threonine kinase 36; plus strand). Cytogenetic location: 2q35.
Variant type: single nucleotide variant.
Coding change: c.1384C>G on transcript NM_015690.5 (MANE Select); coding-DNA position 1384, C replaced by G.
Protein change: p.Leu462Val; replaces leucine 462 with valine.
Molecular consequence: missense variant.
Genome position (GRCh38, 1-based): chr2:218,688,700, C>G. VCF-style: chr2-218688700-C-G. GRCh37 (hg19) VCF-style: chr2-219553423-C-G.
Other names: c.1384C>G, p.Leu462Val (NM_001243313.2, NM_001369423.1); short protein forms L462V.
Identifiers: ClinVar variation 3038202 (VCV003038202.2), dbSNP rs45586733, ClinGen allele CA2110797.